The following is an entry in ClinVar:

ClinVar aggregate classification (germline): Likely benign (1 of 4 stars; one submission).

Allele frequency attached by ClinVar (database versions not stated): ExAC 0.00001; TOPMed 0.00001; gnomAD 0.00002; gnomAD exomes 0.00002.

Submission:

CeGaT Center for Human Genetics Tuebingen
Classification: Likely benign. Last evaluated: 2022-12-01. Review status: criteria provided, single submitter. Criteria: CeGaT Center For Human Genetics Tuebingen Variant Classification Criteria Version 2. Collection method: clinical testing. Allele origin: germline. Affected: yes. Observed: 1 variant allele.
Comment: TELO2: BP4, BP7

NM_016111.4(TELO2):c.2487C>T (p.Asn829=)

Gene: TELO2 (telomere maintenance 2; plus strand). Cytogenetic location: 16p13.3.
Variant type: single nucleotide variant.
Coding change: c.2487C>T on transcript NM_016111.4 (MANE Select); coding-DNA position 2487, C replaced by T.
Protein change: p.Asn829=; no amino-acid change (asparagine 829 retained).
Molecular consequence: synonymous variant.
Genome position (GRCh38, 1-based): chr16:1,509,909, C>T. VCF-style: chr16-1509909-C-T. GRCh37 (hg19) VCF-style: chr16-1559910-C-T.
Other names: c.2487C>T, p.Asn829= (NM_001351846.2).
Identifiers: ClinVar variation 2645906 (VCV002645906.24), dbSNP rs755184318, ClinGen allele CA7812714.
Genomic context (GRCh38, chr16:1,509,909, plus strand): 5'-GGACGAGGACTGCAGGACGCTGGCACTGAGGGCCCTGCTGCTTCTGCAGAGACTCAAGAA[C>T]AGGCTCCTCCCACCCGCGTCTCCCTAGTCCCTGGAGGCCTCCCCAGGACCACCCTCGCCG-3'
Protein context (NP_057195.2, residues 819-837): RALLLLQRLK[Asn829=]RLLPPASP